The following is an entry in ClinVar:

ClinVar aggregate classification (germline): Uncertain significance. Review status: criteria provided, multiple submitters, no conflicts (2 of 4 stars). 2 submissions from 2 submitters: Uncertain significance (2). Last evaluated 2022-10-25.

Allele frequency attached by ClinVar (database versions not stated): TOPMed below 0.00001; gnomAD exomes 0.00002 and 0.00004; ExAC 0.00003.

Submissions (2):

Labcorp Genetics (formerly Invitae), Labcorp
Classification: Uncertain significance. Last evaluated: 2022-10-25. Review status: criteria provided, single submitter. Criteria: Invitae Variant Classification Sherloc (09022015). Collection method: clinical testing. Allele origin: germline.
Comment: This sequence change replaces glutamine, which is neutral and polar, with arginine, which is basic and polar, at codon 847 of the CEP250 protein (p.Gln847Arg). This variant is present in population databases (rs771713524, gnomAD 0.02%). This variant has not been reported in the literature in individuals affected with CEP250-related conditions. ClinVar contains an entry for this variant (Variation ID: 1060400). Algorithms developed to predict the effect of missense changes on protein structure and function are either unavailable or do not agree on the potential impact of this missense change (SIFT: "Not Available"; PolyPhen-2: "Possibly Damaging"; Align-GVGD: "Not Available"). In summary, the available evidence is currently insufficient to determine the role of this variant in disease. Therefore, it has been classified as a Variant of Uncertain Significance.

Breakthrough Genomics
Classification: Uncertain significance. Review status: criteria provided, single submitter. Criteria: ACMG Guidelines, 2015. Collection method: not provided. Allele origin: germline. Inheritance: Autosomal dominant inheritance. Affected: yes.

NM_007186.6(CEP250):c.2540A>G (p.Gln847Arg)

Genes: CEP250-AS1 (CEP250 antisense RNA 1; minus strand), CEP250 (centrosomal protein 250; plus strand). Cytogenetic location: 20q11.22.
Variant type: single nucleotide variant.
Coding change: c.2540A>G on transcript NM_007186.6 (MANE Select); coding-DNA position 2540, A replaced by G.
Protein change: p.Gln847Arg; replaces glutamine 847 with arginine.
Molecular consequence: missense variant.
Genome position (GRCh38, 1-based): chr20:35,480,099, A>G. VCF-style: chr20-35480099-A-G. GRCh37 (hg19) VCF-style: chr20-34067924-A-G.
Other names: c.644A>G, p.Gln215Arg (NM_001318219.1); short protein forms Q215R, Q847R.
Identifiers: ClinVar variation 1060400 (VCV001060400.7), dbSNP rs771713524, ClinGen allele CA9833206.